The following is an entry in ClinVar:

NM_001258392.3(CLPB):c.515T>C (p.Met172Thr)

Gene: CLPB (ClpB family mitochondrial disaggregase; minus strand). Cytogenetic location: 11q13.4.
Variant type: single nucleotide variant.
Coding change: c.515T>C on transcript NM_001258392.3 (MANE Select); coding-DNA position 515, T replaced by C.
Protein change: p.Met172Thr; replaces methionine 172 with threonine.
Molecular consequence: missense variant. On other transcripts: intron variant (1).
Genome position (GRCh38, 1-based): chr11:72,402,993, A>G on the plus strand (T>C on the coding strand, the complement: CLPB is on the minus strand). VCF-style: chr11-72402993-A-G. GRCh37 (hg19) VCF-style: chr11-72114037-A-G.
Other names: c.380T>C, p.Met127Thr (NM_001258394.3); c.515T>C, p.Met172Thr (NM_030813.6); c.456-22609T>C (NM_001258393.3); short protein forms M127T, M172T.
Identifiers: ClinVar variation 4535995 (VCV004535995.1).

ClinVar aggregate classification (germline): Uncertain significance (1 of 4 stars; one submission).

Submission:

Women's Health and Genetics/Laboratory Corporation of America, LabCorp
Classification: Uncertain significance. Last evaluated: 2025-09-24. Review status: criteria provided, single submitter. Criteria: LabCorp Variant Classification Summary - May 2015. Collection method: clinical testing. Allele origin: germline.
Comment: Variant summary: CLPB c.515T>C (p.Met172Thr) results in a non-conservative amino acid change in the encoded protein sequence. Algorithms developed to predict the effect of missense changes on protein structure and function are either unavailable or do not agree on the potential impact of this missense change. The variant was absent in 251382 control chromosomes. The available data on variant occurrences in the general population are insufficient to allow any conclusion about variant significance. To our knowledge, no occurrence of c.515T>C in individuals affected with CLPB-related conditions and no experimental evidence demonstrating its impact on protein function have been reported. No submitters have cited clinical-significance assessments for this variant to ClinVar. Based on the evidence outlined above, the variant was classified as uncertain significance.